The following is an entry in ClinVar:

ClinVar aggregate classification (germline): Uncertain significance (1 of 4 stars; one submission).

Conditions:
Inborn genetic diseases. Identifiers: MedGen C0950123, MeSH D030342.

Submission:

Ambry Genetics
Classification: Uncertain significance for Inborn genetic diseases. Last evaluated: 2025-05-31. Review status: criteria provided, single submitter. Criteria: Ambry Variant Classification Scheme 2023. Collection method: clinical testing. Allele origin: germline.
Comment: The p.Q491P variant (also known as c.1472A>C), located in coding exon 9 of the ERCC6L2 gene, results from an A to C substitution at nucleotide position 1472. The glutamine at codon 491 is replaced by proline, an amino acid with similar properties. This amino acid position is conserved. In addition, this alteration is predicted to be tolerated by in silico analysis. Based on the available evidence, the clinical significance of this variant remains unclear.

NM_020207.7(ERCC6L2):c.1472A>C (p.Gln491Pro)

Gene: ERCC6L2 (ERCC excision repair 6 like 2; plus strand). Cytogenetic location: 9q22.32.
Variant type: single nucleotide variant.
Coding change: c.1472A>C on transcript NM_020207.7 (MANE Select); coding-DNA position 1472, A replaced by C.
Protein change: p.Gln491Pro; replaces glutamine 491 with proline.
Molecular consequence: missense variant. On other transcripts: non-coding transcript variant (1).
Genome position (GRCh38, 1-based): chr9:95,923,318, A>C. VCF-style: chr9-95923318-A-C. GRCh37 (hg19) VCF-style: chr9-98685600-A-C.
Other names: c.1472A>C, p.Gln491Pro (NM_001010895.4, NM_001375291.1, NM_001375292.1 and 2 more transcripts); short protein forms Q491P.
Identifiers: ClinVar variation 4019387 (VCV004019387.1).